The following is an entry in ClinVar:

ClinVar aggregate classification (germline): Benign/Likely benign. Review status: criteria provided, multiple submitters, no conflicts (2 of 4 stars). 6 submissions from 6 submitters: Benign (1); Likely benign (5). Last evaluated 2026-01-04.

Conditions:
Maturity-onset diabetes of the young (MODY). Also called: Maturity onset diabetes mellitus in young. Identifiers: Orphanet 552, MedGen C0342276, MONDO:0018911, HP:0004904.

Allele frequency attached by ClinVar (database versions not stated): gnomAD 0.00007; ESP Exome Variant Server 0.00008; TOPMed 0.00015; gnomAD exomes 0.00026; ExAC 0.00030.
gnomAD v4.1: 285 of 1,613,528 alleles (0.018%); highest among the groups gnomAD compares: Middle Eastern, 0.33%; no homozygotes.

Submissions (6):

Labcorp Genetics (formerly Invitae), Labcorp
Classification: Likely benign. Last evaluated: 2026-01-04. Review status: criteria provided, single submitter. Criteria: Invitae Variant Classification Sherloc (09022015). Collection method: clinical testing. Allele origin: germline.

Blueprint Genetics
Classification: Likely benign. Last evaluated: 2024-09-14. Review status: criteria provided, single submitter. Criteria: ACMG Guidelines, 2015. Collection method: clinical testing. Allele origin: germline.

ARUP Laboratories, Molecular Genetics and Genomics, ARUP Laboratories
Classification: Likely benign. Last evaluated: 2024-04-08. Review status: criteria provided, single submitter. Criteria: ARUP Molecular Germline Variant Investigation Process 2024. Collection method: clinical testing. Allele origin: germline.

GeneDx
Classification: Likely benign. Last evaluated: 2017-12-15. Review status: criteria provided, single submitter. Criteria: GeneDx Variant Classification (06012015). Collection method: clinical testing. Allele origin: germline. Affected: yes.
Comment: This variant is considered likely benign or benign based on one or more of the following criteria: it is a conservative change, it occurs at a poorly conserved position in the protein, it is predicted to be benign by multiple in silico algorithms, and/or has population frequency not consistent with disease.

Breakthrough Genomics
Classification: Likely benign. Review status: criteria provided, single submitter. Criteria: ACMG Guidelines, 2015. Collection method: not provided. Allele origin: germline. Inheritance: Autosomal dominant inheritance. Affected: yes.

Clinical Genomics, Uppaluri K&H Personalized Medicine Clinic
Classification: Benign for Maturity-onset diabetes of the young. Review status: criteria provided, single submitter. Criteria: K & H Uppaluri Personalized Medicine Clinic Variant Classification & Assertion Criteria_Updated V.1. Collection method: research. Allele origin: unknown. Inheritance: Autosomal dominant inheritance.
Comment: Potent mutations in HNF4A are associated with poor insulin secretion in response to hyperglycemia. Associated with MODY1. Patients initially respond well to sulfonylureas but eventually become insulin dependent. However, more evidence is required to ascertain the role of this particular variant rs202202465 in MODY, yet.

Literature cited by the submitters: DOI 10.1159/000334532 (cited by Clinical Genomics, Uppaluri K&H Personalized Medicine Clinic); PubMed 18268044 (cited by Clinical Genomics, Uppaluri K&H Personalized Medicine Clinic); PubMed 17563455 (cited by Clinical Genomics, Uppaluri K&H Personalized Medicine Clinic); PubMed 32583173 (cited by Clinical Genomics, Uppaluri K&H Personalized Medicine Clinic); PubMed 35052457 (cited by Clinical Genomics, Uppaluri K&H Personalized Medicine Clinic); PubMed 35118593 (cited by Clinical Genomics, Uppaluri K&H Personalized Medicine Clinic).

NM_175914.5(HNF4A):c.1064-19C>T

Gene: HNF4A (hepatocyte nuclear factor 4 alpha; plus strand). Cytogenetic location: 20q13.12.
Variant type: single nucleotide variant.
Coding change: c.1064-19C>T on transcript NM_175914.5 (MANE Select); 19 bases into the intron before coding-DNA position 1064, C replaced by T.
Molecular consequence: intron variant.
Genome position (GRCh38, 1-based): chr20:44,428,316, C>T. VCF-style: chr20-44428316-C-T. GRCh37 (hg19) VCF-style: chr20-43056956-C-T.
Other names: c.1055-19C>T (NM_001287182.2, NM_001287183.2); c.1064-19C>T (NM_001030003.3); c.1109-19C>T (NM_001258355.2); c.1130-19C>T (NM_178849.3, NM_000457.6).
Identifiers: ClinVar variation 516116 (VCV000516116.9), dbSNP rs202202465, ClinGen allele CA9870467.